The following is an entry in ClinVar:

NM_003597.5(KLF11):c.145G>A (p.Glu49Lys)

Gene: KLF11 (KLF transcription factor 11; plus strand). Cytogenetic location: 2p25.1.
Variant type: single nucleotide variant.
Coding change: c.145G>A on transcript NM_003597.5 (MANE Select); coding-DNA position 145, G replaced by A.
Protein change: p.Glu49Lys; replaces glutamic acid 49 with lysine.
Molecular consequence: missense variant.
Genome position (GRCh38, 1-based): chr2:10,046,252, G>A. VCF-style: chr2-10046252-G-A. GRCh37 (hg19) VCF-style: chr2-10186379-G-A.
Other names: c.94G>A, p.Glu32Lys (NM_001177716.2, NM_001177718.2); short protein forms E32K, E49K.
Identifiers: ClinVar variation 1449673 (VCV001449673.8), dbSNP rs765203290, ClinGen allele CA1525410.
Genomic context (GRCh38, chr2:10,046,252, plus strand): 5'-CGGCATGACAGCGAAAGGTCTACTTGCAGCATCTTGGAGCAGACAGACATGGAAGCTGTC[G>A]AGGCTCTTGTTTGTATGAGCTCCTGGGGTCAAAGATCCCAGAAAGGTGACCTGTTGCGGA-3'
Protein context (NP_003588.1, residues 39-59): ILEQTDMEAV[Glu49Lys]ALVCMSSWGQ

ClinVar aggregate classification (germline): Uncertain significance (1 of 4 stars; one submission).

Allele frequency attached by ClinVar (database versions not stated): TOPMed 0.00003; gnomAD 0.00005 and 0.00006; ExAC 0.00007; gnomAD exomes 0.00008.
gnomAD v4.1: 112 of 1,614,034 alleles (0.0069%); highest among the groups gnomAD compares: South Asian, 0.038%; no homozygotes.

Submission:

Labcorp Genetics (formerly Invitae), Labcorp
Classification: Uncertain significance. Last evaluated: 2025-10-21. Review status: criteria provided, single submitter. Criteria: Invitae Variant Classification Sherloc (09022015). Collection method: clinical testing. Allele origin: germline.
Comment: This sequence change replaces glutamic acid, which is acidic and polar, with lysine, which is basic and polar, at codon 49 of the KLF11 protein (p.Glu49Lys). This variant is present in population databases (rs765203290, gnomAD 0.03%). This missense change has been observed in individual(s) with KLF11-related conditions (PMID: 30663027). ClinVar contains an entry for this variant (Variation ID: 1449673). An algorithm developed to predict the effect of missense changes on protein structure and function (PolyPhen-2) suggests that this variant is likely to be disruptive. In summary, the available evidence is currently insufficient to determine the role of this variant in disease. Therefore, it has been classified as a Variant of Uncertain Significance.

Literature cited by the submitters: PubMed 30663027.